The following is an entry in ClinVar:

ClinVar aggregate classification (germline): Pathogenic (1 of 4 stars; one submission).

Submission:

Labcorp Genetics (formerly Invitae), Labcorp
Classification: Pathogenic. Last evaluated: 2022-09-13. Review status: criteria provided, single submitter. Criteria: Invitae Variant Classification Sherloc (09022015). Collection method: clinical testing. Allele origin: germline.
Comment: This sequence change creates a premature translational stop signal (p.Lys59Argfs*31) in the BSND gene. It is expected to result in an absent or disrupted protein product. Loss-of-function variants in BSND are known to be pathogenic (PMID: 11687798). This variant is not present in population databases (gnomAD no frequency). This variant has not been reported in the literature in individuals affected with BSND-related conditions. For these reasons, this variant has been classified as Pathogenic.

Literature cited by the submitters: PubMed 11687798.

NM_057176.3(BSND):c.174del (p.Lys59fs)

Gene: BSND (barttin CLCNK type accessory subunit beta; plus strand). Cytogenetic location: 1p32.3.
Variant type: Deletion.
Coding change: c.174del on transcript NM_057176.3 (MANE Select); coding-DNA position 174, one base deleted (C; older notation c.174delC).
Protein change: p.Lys59fs; shifts the reading frame from lysine 59.
Molecular consequence: frameshift variant.
Genome position (GRCh38, 1-based): chr1:54,999,360, C deleted; the last of 4 consecutive C bases (chr1:54,999,357-54,999,360); deleting any one gives the same sequence. VCF-style (leftmost placement, unchanged base first): chr1-54999356-AC-A. GRCh37 (hg19) VCF-style: chr1-55465029-AC-A.
Other names: short protein forms K59fs.
Identifiers: ClinVar variation 2030162 (VCV002030162.4), dbSNP rs2523064807, ClinGen allele CA2580063079.